The following is an entry in ClinVar:

NM_006269.2(RP1):c.3185G>T (p.Arg1062Met)

Gene: RP1 (RP1 axonemal microtubule associated; plus strand). Cytogenetic location: 8q12.1.
Variant type: single nucleotide variant.
Coding change: c.3185G>T on transcript NM_006269.2 (MANE Select); coding-DNA position 3185, G replaced by T.
Protein change: p.Arg1062Met; replaces arginine 1062 with methionine.
Molecular consequence: missense variant. On other transcripts: intron variant (1).
Genome position (GRCh38, 1-based): chr8:54,627,067, G>T. VCF-style: chr8-54627067-G-T. GRCh37 (hg19) VCF-style: chr8-55539627-G-T.
Other names: c.787+4779G>T (NM_001375654.1); short protein forms R1062M.
Identifiers: ClinVar variation 1462098 (VCV001462098.8), dbSNP rs2129317028, ClinGen allele CA370995742.

ClinVar aggregate classification (germline): Uncertain significance (1 of 4 stars; one submission).

Submission:

Labcorp Genetics (formerly Invitae), Labcorp
Classification: Uncertain significance. Last evaluated: 2022-02-02. Review status: criteria provided, single submitter. Criteria: Invitae Variant Classification Sherloc (09022015). Collection method: clinical testing. Allele origin: germline.
Comment: In summary, the available evidence is currently insufficient to determine the role of this variant in disease. Therefore, it has been classified as a Variant of Uncertain Significance. Algorithms developed to predict the effect of missense changes on protein structure and function are either unavailable or do not agree on the potential impact of this missense change (SIFT: "Deleterious"; PolyPhen-2: "Possibly Damaging"; Align-GVGD: "Class C0"). This variant has not been reported in the literature in individuals affected with RP1-related conditions. This variant is not present in population databases (gnomAD no frequency). This sequence change replaces arginine, which is basic and polar, with methionine, which is neutral and non-polar, at codon 1062 of the RP1 protein (p.Arg1062Met).